The following is an entry in ClinVar:

NM_133259.4(LRPPRC):c.1529C>G (p.Ala510Gly)

Gene: LRPPRC (leucine rich pentatricopeptide repeat containing; minus strand). Cytogenetic location: 2p21.
Variant type: single nucleotide variant.
Coding change: c.1529C>G on transcript NM_133259.4 (MANE Select); coding-DNA position 1529, C replaced by G.
Protein change: p.Ala510Gly; replaces alanine 510 with glycine.
Molecular consequence: missense variant.
Genome position (GRCh38, 1-based): chr2:43,960,594, G>C on the plus strand (C>G on the coding strand, the complement: LRPPRC is on the minus strand). VCF-style: chr2-43960594-G-C. GRCh37 (hg19) VCF-style: chr2-44187733-G-C.
Other names: p.A510G:GCT>GGT; short protein forms A510G.
Identifiers: ClinVar variation 214620 (VCV000214620.41), dbSNP rs115693730, ClinGen allele CA325410.

ClinVar aggregate classification (germline): Benign. Review status: criteria provided, multiple submitters, no conflicts (2 of 4 stars). 5 submissions from 5 submitters: Benign (5). Last evaluated 2026-01-28.

Conditions:
Congenital lactic acidosis, Saguenay-Lac-Saint-Jean type (MC4DN5). Also called: MITOCHONDRIAL COMPLEX IV DEFICIENCY, NUCLEAR TYPE 5; CYTOCHROME c OXIDASE DEFICIENCY, FRENCH CANADIAN TYPE; COX DEFICIENCY, FRENCH CANADIAN TYPE. Identifiers: Orphanet 70472, MedGen C1857355, MONDO:0009069, OMIM 220111.

Allele frequency attached by ClinVar (database versions not stated): gnomAD exomes 0.00040 and 0.00097; ExAC 0.00124; ESP Exome Variant Server 0.00346; 1000 Genomes Project 0.00399; 1000 Genomes Project 30x 0.00406; gnomAD 0.00414; TOPMed 0.00426.
gnomAD v4.1: 1,188 of 1,606,316 alleles (0.074%); highest among the groups gnomAD compares: African/African-American, 1.5%; 17 homozygotes.

Submissions (8):

Labcorp Genetics (formerly Invitae), Labcorp
Classification: Benign. Last evaluated: 2026-01-28. Review status: criteria provided, single submitter. Criteria: Invitae Variant Classification Sherloc (09022015). Collection method: clinical testing. Allele origin: germline.

CeGaT Center for Human Genetics Tuebingen
Classification: Benign. Last evaluated: 2024-06-01. Review status: criteria provided, single submitter. Criteria: CeGaT Center For Human Genetics Tuebingen Variant Classification Criteria Version 2. Collection method: clinical testing. Allele origin: germline. Affected: yes. Observed: 2 variant alleles.
Comment: LRPPRC: BP4, BS1, BS2

GeneDx
Classification: Benign. Last evaluated: 2018-03-12. Review status: criteria provided, single submitter. Criteria: GeneDx Variant Classification (06012015). Collection method: clinical testing. Allele origin: germline. Affected: yes.
Comment: This variant is considered likely benign or benign based on one or more of the following criteria: it is a conservative change, it occurs at a poorly conserved position in the protein, it is predicted to be benign by multiple in silico algorithms, and/or has population frequency not consistent with disease.

Illumina Laboratory Services, Illumina
Classification: Benign for Congenital lactic acidosis, Saguenay-Lac-Saint-Jean type. Last evaluated: 2017-04-28. Review status: criteria provided, single submitter. Criteria: ICSL Variant Classification Criteria 13 December 2019. Collection method: clinical testing. Allele origin: germline.
Comment: This variant was observed as part of a predisposition screen in an ostensibly healthy population. A literature search was performed for the gene, cDNA change, and amino acid change (where applicable). Publications were found based on this search. The evidence from the literature, in combination with allele frequency data from public databases where available, was sufficient to rule this variant out of causing disease. Therefore, this variant is classified as benign.

Breakthrough Genomics
Classification: Benign. Review status: criteria provided, single submitter. Criteria: ACMG Guidelines, 2015. Collection method: not provided. Allele origin: germline. Inheritance: Autosomal recessive inheritance. Affected: yes.

Dr. Peter K. Rogan Lab, Western University
No classification provided (evidence only). Condition: Uterine corpus endometrial carcinoma. Review status: no classification provided. Collection method: in vitro. Allele origin: not applicable. Functional consequence: retained intron. Not counted in ClinVar's aggregate classification.

Dr. Peter K. Rogan Lab, Western University
No classification provided (evidence only). Condition: Malignant tumor of esophagus. Review status: no classification provided. Collection method: in vitro. Allele origin: not applicable. Functional consequence: retained intron. Not counted in ClinVar's aggregate classification.

Dr. Peter K. Rogan Lab, Western University
No classification provided (evidence only). Condition: Malignant tumor of esophagus. Review status: no classification provided. Collection method: in vitro. Allele origin: not applicable. Functional consequence: retained intron. Not counted in ClinVar's aggregate classification.

Literature cited by the submitters: PubMed 27408822 (cited by Illumina Laboratory Services, Illumina).